The following is an entry in ClinVar:

ClinVar aggregate classification (germline): Uncertain significance (1 of 4 stars; one submission).

gnomAD v4.1: 1 of 1,614,190 alleles (0.000062%); highest among the groups gnomAD compares: Non-Finnish European, 0.000085%; no homozygotes.

Submission:

Labcorp Genetics (formerly Invitae), Labcorp
Classification: Uncertain significance. Last evaluated: 2024-02-20. Review status: criteria provided, single submitter. Criteria: Invitae Variant Classification Sherloc (09022015). Collection method: clinical testing. Allele origin: germline.
Comment: This sequence change replaces glycine, which is neutral and non-polar, with arginine, which is basic and polar, at codon 1912 of the LCT protein (p.Gly1912Arg). This variant is not present in population databases (gnomAD no frequency). This variant has not been reported in the literature in individuals affected with LCT-related conditions. Advanced modeling of protein sequence and biophysical properties (such as structural, functional, and spatial information, amino acid conservation, physicochemical variation, residue mobility, and thermodynamic stability) performed at Invitae indicates that this missense variant is not expected to disrupt LCT protein function with a negative predictive value of 80%. In summary, the available evidence is currently insufficient to determine the role of this variant in disease. Therefore, it has been classified as a Variant of Uncertain Significance.

NM_002299.4(LCT):c.5734G>A (p.Gly1912Arg)

Gene: LCT (lactase; minus strand). Cytogenetic location: 2q21.3.
Variant type: single nucleotide variant.
Coding change: c.5734G>A on transcript NM_002299.4 (MANE Select); coding-DNA position 5734, G replaced by A.
Protein change: p.Gly1912Arg; replaces glycine 1912 with arginine.
Molecular consequence: missense variant.
Genome position (GRCh38, 1-based): chr2:135,788,374, C>T on the plus strand (G>A on the coding strand, the complement: LCT is on the minus strand). VCF-style: chr2-135788374-C-T. GRCh37 (hg19) VCF-style: chr2-136545944-C-T.
Other names: short protein forms G1912R.
Identifiers: ClinVar variation 3632777 (VCV003632777.2).